The following is an entry in ClinVar:

ClinVar aggregate classification (germline): Conflicting classifications of pathogenicity. Review status: criteria provided, conflicting classifications (1 of 4 stars). 2 submissions from 1 submitter: Uncertain significance (1); Likely benign (1). Last evaluated 2018-01-12.

Conditions:
Autosomal dominant nonsyndromic hearing loss 12. Also called: DEAFNESS, AUTOSOMAL DOMINANT 8. Identifiers: Orphanet 90635, MedGen C1832187, MONDO:0011102, OMIM 601543.
Autosomal recessive nonsyndromic hearing loss 21. Identifiers: Orphanet 90636, MedGen C1863655, MONDO:0011351, OMIM 603629.

Allele frequency attached by ClinVar (database versions not stated): gnomAD 0.00001; TOPMed 0.00001; gnomAD exomes 0.00006.
gnomAD v4.1: 36 of 1,613,976 alleles (0.0022%); highest among the groups gnomAD compares: East Asian, 0.08%; no homozygotes.

Submissions (2):

Illumina Laboratory Services, Illumina
Classification: Likely benign for Autosomal dominant nonsyndromic hearing loss 12. Last evaluated: 2018-01-12. Review status: criteria provided, single submitter. Criteria: ICSL Variant Classification Criteria 13 December 2019. Collection method: clinical testing. Allele origin: germline.
Comment: This variant was observed in the ICSL laboratory as part of a predisposition screen in an ostensibly healthy population. It had not been previously curated by ICSL or reported in the Human Gene Mutation Database (HGMD: prior to June 1st, 2018), and was therefore a candidate for classification through an automated scoring system. Utilizing variant allele frequency, disease prevalence and penetrance estimates, and inheritance mode, an automated score was calculated to assess if this variant is too frequent to cause the disease. Based on the score and internal cut-off values, a variant classified as likely benign is not then subjected to further curation. The score for this variant resulted in a classification of likely benign for this disease.

Illumina Laboratory Services, Illumina
Classification: Uncertain significance for Autosomal recessive nonsyndromic hearing loss 21. Last evaluated: 2018-01-12. Review status: criteria provided, single submitter. Criteria: ICSL Variant Classification Criteria 13 December 2019. Collection method: clinical testing. Allele origin: germline.

NM_005422.4(TECTA):c.805C>G (p.Arg269Gly)

Genes: TBCEL-TECTA (TBCEL-TECTA readthrough; plus strand), TECTA (tectorin alpha; plus strand). Cytogenetic location: 11q23.3.
Variant type: single nucleotide variant.
Coding change: c.805C>G on transcript NM_005422.4 (MANE Select); coding-DNA position 805, C replaced by G.
Protein change: p.Arg269Gly; replaces arginine 269 with glycine.
Molecular consequence: missense variant.
Genome position (GRCh38, 1-based): chr11:121,118,320, C>G. VCF-style: chr11-121118320-C-G. GRCh37 (hg19) VCF-style: chr11-120989029-C-G.
Other names: short protein forms R269G.
Identifiers: ClinVar variation 879125 (VCV000879125.4), dbSNP rs777704329, ClinGen allele CA6326615.
Genomic context (GRCh38, chr11:121,118,320, plus strand): 5'-GGGGAAATGCTCAGTAAATGTTGGCTCTAATGTCATTATTCCCCAGGACAATTCCTTCGG[C>G]GAGGGGAGGTGTTTTGGGATGACTTGAACTGCACCGTCAAGTGCCGCTGTCTGGATTTCA-3'
Protein context (NP_005413.2, residues 259-279): GCTSRGQFLR[Arg269Gly]GEVFWDDLNC